The following is an entry in ClinVar:

NM_007129.5(ZIC2):c.52G>C (p.Ala18Pro)

Gene: ZIC2 (Zic family zinc finger 2; plus strand). Cytogenetic location: 13q32.3.
Variant type: single nucleotide variant.
Coding change: c.52G>C on transcript NM_007129.5 (MANE Select); coding-DNA position 52, G replaced by C.
Protein change: p.Ala18Pro; replaces alanine 18 with proline.
Molecular consequence: missense variant.
Genome position (GRCh38, 1-based): chr13:99,982,116, G>C. VCF-style: chr13-99982116-G-C. GRCh37 (hg19) VCF-style: chr13-100634370-G-C.
Other names: short protein forms A18P.
Identifiers: ClinVar variation 1385283 (VCV001385283.6), dbSNP rs2152162171, ClinGen allele CA388636453.

ClinVar aggregate classification (germline): Uncertain significance (1 of 4 stars; one submission).

Conditions:
Holoprosencephaly 5 (HPE5). Identifiers: Orphanet 2162, MedGen C1864827, MONDO:0012322, OMIM 609637.

Submission:

Labcorp Genetics (formerly Invitae), Labcorp
Classification: Uncertain significance for Holoprosencephaly 5. Last evaluated: 2022-06-27. Review status: criteria provided, single submitter. Criteria: Invitae Variant Classification Sherloc (09022015). Collection method: clinical testing. Allele origin: germline.
Comment: This variant is not present in population databases (gnomAD no frequency). In summary, the available evidence is currently insufficient to determine the role of this variant in disease. Therefore, it has been classified as a Variant of Uncertain Significance. Algorithms developed to predict the effect of missense changes on protein structure and function are either unavailable or do not agree on the potential impact of this missense change (SIFT: "Deleterious"; PolyPhen-2: "Possibly Damaging"; Align-GVGD: "Class C0"). This variant has not been reported in the literature in individuals affected with ZIC2-related conditions. This sequence change replaces alanine, which is neutral and non-polar, with proline, which is neutral and non-polar, at codon 18 of the ZIC2 protein (p.Ala18Pro).